The following is an entry in ClinVar:

ClinVar aggregate classification (germline): Pathogenic. Review status: criteria provided, multiple submitters, no conflicts (2 of 4 stars). 6 submissions from 6 submitters: Pathogenic (6). Last evaluated 2025-11-23.

Conditions:
Neurofibromatosis, type 1 (NF1). Also called: VON RECKLINGHAUSEN DISEASE; NEUROFIBROMATOSIS, TYPE I, SOMATIC; Peripheral type neurofibromatosis; Neurofibromatosis, type I. Identifiers: Orphanet 636, MedGen C0027831, MONDO:0018975, OMIM 162200. Disease mechanism: loss of function.
Cardiovascular phenotype. Identifiers: MedGen CN230736.
Hereditary cancer-predisposing syndrome. Also called: Hereditary Cancer Syndrome; Hereditary neoplastic syndrome; Tumor predisposition; Neoplastic Syndromes, Hereditary. Identifiers: Orphanet 140162, MedGen C0027672, MeSH D009386, MONDO:0015356.

Submissions (6):

Labcorp Genetics (formerly Invitae), Labcorp
Classification: Pathogenic for Neurofibromatosis, type 1. Last evaluated: 2025-11-23. Review status: criteria provided, single submitter. Criteria: Invitae Variant Classification Sherloc (09022015). Collection method: clinical testing. Allele origin: germline.
Comment: This sequence change creates a premature translational stop signal (p.Trp1048*) in the NF1 gene. It is expected to result in an absent or disrupted protein product. Loss-of-function variants in NF1 are known to be pathogenic (PMID: 10712197, 23913538). This variant is not present in population databases (gnomAD no frequency). This premature translational stop signal has been observed in individual(s) with neurofibromatosis, type 1 (PMID: 21520333, 23656349, 31776437). Invitae Evidence Modeling of clinical and family history, age, sex, and reported ancestry of multiple individuals with this NF1 variant has been performed. This variant is expected to be pathogenic with a positive predictive value of at least 99%. This is a validated machine learning model that incorporates the clinical features of 1,785,918 individuals referred to our laboratory for NF1 testing. ClinVar contains an entry for this variant (Variation ID: 457626). For these reasons, this variant has been classified as Pathogenic.

Ambry Genetics
Classification: Pathogenic for Cardiovascular phenotype; Hereditary cancer-predisposing syndrome. Last evaluated: 2025-03-10. Review status: criteria provided, single submitter. Criteria: Ambry Variant Classification Scheme 2023. Collection method: clinical testing. Allele origin: germline.
Comment: The p.W1048* pathogenic mutation (also known as c.3144G>A), located in coding exon 24 of the NF1 gene, results from a G to A substitution at nucleotide position 3144. This changes the amino acid from a tryptophan to a stop codon within coding exon 24. This variant was reported in individual(s) with features consistent with neurofibromatosis type 1; in at least one individual, it was determined to be de novo (van Minkelen R et al. Clin Genet, 2014 Apr;85:318-27; Kang E et al. J Hum Genet, 2020 Jan;65:79-89; Yao R et al. Front Genet, 2021 Dec;12:782419). In addition to the clinical data presented in the literature, this alteration is expected to result in loss of function by premature protein truncation or nonsense-mediated mRNA decay. As such, this alteration is interpreted as a disease-causing mutation.

Genetics and Molecular Pathology, SA Pathology
Classification: Pathogenic for Neurofibromatosis, type 1. Last evaluated: 2023-04-28. Review status: criteria provided, single submitter. Criteria: ACMG Guidelines, 2015. Collection method: clinical testing. Allele origin: germline. Inheritance: Autosomal dominant inheritance. Affected: yes.
Comment: The NF1 c.3144G>A variant is classified as Pathogenic (PVS1, PS4_Moderate, PM2) The NF1 c.3144G>A variant is a single nucleotide change in exon 24/58 which is predicted to result in premature termination of the protein product at codon 1048 (PVS1). The variant has been reported in the literature as germline in multiple unrelated patients affected with neurofibromatosis type I and epilepsy (PMID: 23656349, 31776437, 34992632) (PS4_Moderate). This variant is absent from population databases (PM2). The variant has been reported in dbSNP (rs1555614635) and in the HGMD database as disease causing (CM143361). It has been reported as Pathogenic by other diagnostic laboratories (ClinVar Variation ID: 457626).

GeneDx
Classification: Pathogenic. Last evaluated: 2023-04-10. Review status: criteria provided, single submitter. Criteria: GeneDx Variant Classification Process June 2021. Collection method: clinical testing. Allele origin: germline. Affected: yes.
Comment: Nonsense variant predicted to result in protein truncation or nonsense mediated decay in a gene for which loss of function is a known mechanism of disease; Not observed at significant frequency in large population cohorts (gnomAD); This variant is associated with the following publications: (PMID: 23656349, 21520333, 31776437, 23913538, 34992632, 10712197)

Genome-Nilou Lab
Classification: Pathogenic for Neurofibromatosis, type 1. Last evaluated: 2022-03-15. Review status: criteria provided, single submitter. Criteria: ACMG Guidelines, 2015. Collection method: clinical testing. Allele origin: germline. Affected: no.

Institute of Human Genetics, University of Leipzig Medical Center
Classification: Pathogenic for Neurofibromatosis, type 1. Last evaluated: 2019-08-02. Review status: criteria provided, single submitter. Criteria: ACMG Guidelines, 2015. Collection method: clinical testing. Allele origin: germline. Affected: yes. Observed: 1 variant allele.

Literature cited by the submitters: PubMed 10712197 (cited by Labcorp Genetics (formerly Invitae), Labcorp); PubMed 23913538 (cited by Labcorp Genetics (formerly Invitae), Labcorp); PubMed 21520333 (cited by Labcorp Genetics (formerly Invitae), Labcorp); PubMed 23656349 (cited by 3 submitters); PubMed 31776437 (cited by 3 submitters); PubMed 34992632 (cited by Ambry Genetics and Genetics and Molecular Pathology, SA Pathology).

NM_001042492.3(NF1):c.3144G>A (p.Trp1048Ter)

Gene: NF1 (neurofibromin 1; plus strand). Cytogenetic location: 17q11.2.
Variant type: single nucleotide variant.
Coding change: c.3144G>A on transcript NM_001042492.3 (MANE Select); coding-DNA position 3144, G replaced by A.
Protein change: p.Trp1048Ter; replaces tryptophan 1048 with a stop codon.
Molecular consequence: nonsense.
Genome position (GRCh38, 1-based): chr17:31,230,872, G>A. VCF-style: chr17-31230872-G-A. GRCh37 (hg19) VCF-style: chr17-29557890-G-A.
Other names: c.3144G>A, p.Trp1048Ter (NM_000267.4); short protein forms W1048*.
Identifiers: ClinVar variation 457626 (VCV000457626.9), dbSNP rs1555614635, ClinGen allele CA398987993.